The following is an entry in ClinVar:

ClinVar aggregate classification (germline): Pathogenic/Likely pathogenic. Review status: criteria provided, multiple submitters, no conflicts (2 of 4 stars). 4 submissions from 4 submitters: Pathogenic (3); Likely pathogenic (1). Last evaluated 2025-08-12.

Conditions:
RP2-related disorder. Also called: RP2-related condition.
Retinitis pigmentosa 2 (RP2). Also called: Retinitis pigmentosa 2, X linked. Identifiers: Orphanet 791, MedGen C2681923, MONDO:0010723, OMIM 312600.
Retinal dystrophy. Also called: Inherited retinal dystrophy. Identifiers: Orphanet 71862, MedGen C0854723, MeSH D058499, MONDO:0019118, HP:0000556.

Submissions (4):

Labcorp Genetics (formerly Invitae), Labcorp
Classification: Pathogenic. Last evaluated: 2025-08-12. Review status: criteria provided, single submitter. Criteria: Invitae Variant Classification Sherloc (09022015). Collection method: clinical testing. Allele origin: germline.
Comment: This variant, c.409_411del, results in the deletion of 1 amino acid(s) of the RP2 protein (p.Ile137del), but otherwise preserves the integrity of the reading frame. This variant is not present in population databases (gnomAD no frequency). This variant has been observed in individuals with retinitis pigmentosa (PMID: 10937588, 23150612, 24940031). It has also been observed to segregate with disease in related individuals. ClinVar contains an entry for this variant (Variation ID: 860467). Algorithms developed to predict the effect of variants on gene product structure and function are not available or were not evaluated for this variant. Experimental studies have shown that this variant affects RP2 function (PMID: 20669900, 28209709). For these reasons, this variant has been classified as Pathogenic.

Blueprint Genetics
Classification: Pathogenic for RP2-related disorders. Last evaluated: 2022-01-24. Review status: criteria provided, single submitter. Criteria: ACMG Guidelines, 2015. Collection method: clinical testing. Allele origin: germline. Affected: yes. Observed: 5 variant alleles.

Centre for Mendelian Genomics, University Medical Centre Ljubljana
Classification: Likely pathogenic for Retinitis pigmentosa 2. Last evaluated: 2020-01-19. Review status: criteria provided, single submitter. Criteria: ACMG Guidelines, 2015. Collection method: clinical testing. Allele origin: unknown. Affected: yes.
Comment: This variant was classified as: Likely pathogenic. The following ACMG criteria were applied in classifying this variant: PM1,PM2,PP3,PM4. This variant was detected in hemizygous state.

Institute of Human Genetics, Univ. Regensburg, Univ. Regensburg
Classification: Pathogenic for Retinal dystrophy. Last evaluated: 2013-01-01. Review status: criteria provided, single submitter. Criteria: ACMG Guidelines, 2015. Collection method: clinical testing. Allele origin: germline. Affected: yes.

Literature cited by the submitters: PubMed 10937588 (cited by Labcorp Genetics (formerly Invitae), Labcorp and Institute of Human Genetics, Univ. Regensburg, Univ. Regensburg); PubMed 23150612 (cited by Labcorp Genetics (formerly Invitae), Labcorp); PubMed 24940031 (cited by Labcorp Genetics (formerly Invitae), Labcorp); PubMed 20669900 (cited by Labcorp Genetics (formerly Invitae), Labcorp); PubMed 28209709 (cited by Labcorp Genetics (formerly Invitae), Labcorp and Institute of Human Genetics, Univ. Regensburg, Univ. Regensburg); PubMed 31960602 (cited by Institute of Human Genetics, Univ. Regensburg, Univ. Regensburg); PubMed 36819107 (cited by Institute of Human Genetics, Univ. Regensburg, Univ. Regensburg).

NM_006915.3(RP2):c.409_411del (p.Ile137del)

Gene: RP2 (RP2 activator of ARL3 GTPase; plus strand). Cytogenetic location: Xp11.3.
Variant type: Deletion.
Coding change: c.409_411del on transcript NM_006915.3 (MANE Select); coding-DNA positions 409 to 411, 3 bases deleted (ATT; older notation c.409_411delATT).
Protein change: p.Ile137del; deletes isoleucine 137.
Molecular consequence: inframe deletion.
Genome position (GRCh38, 1-based): chrX:46,853,782-46,853,784, ATT deleted. VCF-style (leftmost placement, unchanged base first): chrX-46853781-CATT-C. GRCh37 (hg19) VCF-style: chrX-46713216-CATT-C.
Other names: c.409_411delATT (NM_006915.2); short protein forms I137del.
Identifiers: ClinVar variation 860467 (VCV000860467.16), dbSNP rs1924904597, ClinGen allele CA916083940.